The following is an entry in ClinVar:

ClinVar aggregate classification (germline): Uncertain significance. Review status: criteria provided, multiple submitters, no conflicts (2 of 4 stars). 4 submissions from 4 submitters: Uncertain significance (4). Last evaluated 2025-03-04.

Conditions:
RYR1-related disorder. Also called: RYR1-related disorders; RYR1-related condition. Identifiers: MedGen CN239331.
Malignant hyperthermia, susceptibility to, 1 (MHS1). Also called: Anesthesia related hyperthermia; Malignant hyperpyrexia; Fulminating hyperpyrexia; Pharmacogenic myopathy; RYR1-Related Malignant Hyperthermia Susceptibility; Malignant hyperthermia suceptibility 1. Identifiers: Orphanet 423, MedGen C2930980, MONDO:0007783, OMIM 145600.

Allele frequency attached by ClinVar (database versions not stated): TOPMed below 0.00001; ExAC 0.00002; gnomAD exomes 0.00002.
gnomAD v4.1: 17 of 1,611,718 alleles (0.0011%); highest among the groups gnomAD compares: Non-Finnish European, 0.0014%; no homozygotes.

Submissions (4):

PreventionGenetics, part of Exact Sciences
Classification: Uncertain significance for RYR1-related condition. Last evaluated: 2025-03-04. Review status: criteria provided, single submitter. Criteria: ACMG Guidelines, 2015. Collection method: clinical testing. Allele origin: germline.
Comment: The RYR1 c.7853T>C variant is predicted to result in the amino acid substitution p.Met2618Thr. To our knowledge, this variant has not been reported in the literature. This variant is reported in 0.0033% of alleles in individuals of South Asian descent in gnomAD. At this time, the clinical significance of this variant is uncertain due to the absence of conclusive functional and genetic evidence.

All of Us Research Program, National Institutes of Health
Classification: Uncertain significance for Malignant hyperthermia, susceptibility to, 1. Last evaluated: 2024-01-03. Review status: criteria provided, single submitter. Criteria: ACMG Guidelines, 2015. Collection method: clinical testing. Allele origin: germline. Inheritance: Autosomal dominant inheritance. Observed: 1 variant allele, 1 heterozygote.
Comment: This missense variant replaces methionine with threonine at codon 2618 of the RYR1 protein. Computational prediction suggests that this variant may have deleterious impact on protein structure and function (internally defined REVEL score threshold >= 0.7, PMID: 27666373). To our knowledge, functional studies have not been reported for this variant. This variant has not been reported in individuals affected with RYR1-related disorders in the literature. This variant has been identified in 4/249766 chromosomes in the general population by the Genome Aggregation Database (gnomAD). The available evidence is insufficient to determine the role of this variant in disease conclusively. Therefore, this variant is classified as a Variant of Uncertain Significance.

This study involves interpretation of variants in research participants for the purpose of population health screening. Participant phenotype was not available at the time of variant classification. Additional details can be found in publication PMID: 35346344, PMCID: PMC8962531

GeneDx
Classification: Uncertain significance. Last evaluated: 2020-01-07. Review status: criteria provided, single submitter. Criteria: GeneDx Variant Classification Process June 2021. Collection method: clinical testing. Allele origin: germline. Affected: yes.
Comment: Not observed at a significant frequency in large population cohorts (Lek et al., 2016); In silico analysis, which includes protein predictors and evolutionary conservation, supports a deleterious effect; Has not been previously published as pathogenic or benign to our knowledge

Revvity Omics, Revvity
Classification: Uncertain significance. Last evaluated: 2019-12-18. Review status: criteria provided, single submitter. Criteria: ACMG Guidelines, 2015. Collection method: clinical testing. Allele origin: germline.

NM_000540.3(RYR1):c.7853T>C (p.Met2618Thr)

Gene: RYR1 (ryanodine receptor 1; plus strand). Cytogenetic location: 19q13.2.
Variant type: single nucleotide variant.
Coding change: c.7853T>C on transcript NM_000540.3 (MANE Select); coding-DNA position 7853, T replaced by C.
Protein change: p.Met2618Thr; replaces methionine 2618 with threonine.
Molecular consequence: missense variant.
Genome position (GRCh38, 1-based): chr19:38,502,897, T>C. VCF-style: chr19-38502897-T-C. GRCh37 (hg19) VCF-style: chr19-38993537-T-C.
Other names: c.7853T>C, p.Met2618Thr (NM_001042723.2); short protein forms M2618T.
Identifiers: ClinVar variation 1311555 (VCV001311555.6), dbSNP rs769326916, ClinGen allele CA070844.